The following is an entry in ClinVar:

ClinVar aggregate classification (germline): Uncertain significance (1 of 4 stars; one submission).

Submission:

Labcorp Genetics (formerly Invitae), Labcorp
Classification: Uncertain significance. Last evaluated: 2022-06-14. Review status: criteria provided, single submitter. Criteria: Invitae Variant Classification Sherloc (09022015). Collection method: clinical testing. Allele origin: germline.
Comment: In summary, the available evidence is currently insufficient to determine the role of this variant in disease. Therefore, it has been classified as a Variant of Uncertain Significance. Experimental studies and prediction algorithms are not available or were not evaluated, and the functional significance of this variant is currently unknown. This variant has not been reported in the literature in individuals affected with KCNQ4-related conditions. The frequency data for this variant in the population databases is considered unreliable, as metrics indicate insufficient coverage at this position in the gnomAD database. This sequence change replaces alanine, which is neutral and non-polar, with serine, which is neutral and polar, at codon 18 of the KCNQ4 protein (p.Ala18Ser).

NM_004700.4(KCNQ4):c.52_53delinsAG (p.Ala18Ser)

Gene: KCNQ4 (potassium voltage-gated channel subfamily Q member 4; plus strand). Cytogenetic location: 1p34.2.
Variant type: Indel.
Coding change: c.52_53delinsAG on transcript NM_004700.4 (MANE Select); coding-DNA positions 52 to 53, GC replaced by AG.
Protein change: p.Ala18Ser; replaces alanine 18 with serine.
Molecular consequence: missense variant.
Genome position (GRCh38, 1-based): chr1:40,784,145-40,784,146, GC replaced by AG. VCF-style: chr1-40784145-GC-AG. GRCh37 (hg19) VCF-style: chr1-41249817-GC-AG.
Other names: c.52_53delinsAG, p.Ala18Ser (NM_172163.3); short protein forms A18S.
Identifiers: ClinVar variation 1949225 (VCV001949225.5), dbSNP rs2523790198, ClinGen allele CA2580062739.